The following is an entry in ClinVar:

ClinVar aggregate classification (germline): Likely benign. Review status: criteria provided, multiple submitters, no conflicts (2 of 4 stars). 4 submissions from 4 submitters: Likely benign (4). Last evaluated 2026-06-10.

Conditions:
CDH23-related disorder. Also called: CDH23-related condition; CDH23-related disorders.

Allele frequency attached by ClinVar (database versions not stated): TOPMed 0.00002.
gnomAD v4.1: 25 of 1,613,816 alleles (0.0015%); highest among the groups gnomAD compares: Non-Finnish European, 0.0014%; no homozygotes.

Submissions (4):

PreventionGenetics, part of Exact Sciences
Classification: Likely benign for CDH23-related condition. Last evaluated: 2026-06-10. Review status: criteria provided, single submitter. Criteria: ACMG Guidelines, 2015. Collection method: clinical testing. Allele origin: germline.
Comment: This variant is classified as likely benign based on ACMG/AMP sequence variant interpretation guidelines (Richards et al. 2015 PMID: 25741868, with internal and published modifications).

Labcorp Genetics (formerly Invitae), Labcorp
Classification: Likely benign. Last evaluated: 2025-12-30. Review status: criteria provided, single submitter. Criteria: Invitae Variant Classification Sherloc (09022015). Collection method: clinical testing. Allele origin: germline.

Blueprint Genetics
Classification: Likely benign. Last evaluated: 2024-09-18. Review status: criteria provided, single submitter. Criteria: ACMG Guidelines, 2015. Collection method: clinical testing. Allele origin: germline.

Laboratory for Molecular Medicine, Mass General Brigham Personalized Medicine
Classification: Likely benign. Last evaluated: 2016-01-21. Review status: criteria provided, single submitter. Criteria: LMM Criteria. Collection method: clinical testing. Allele origin: germline. Observed: 1 variant allele.
Comment: p.Ala2309Ala in exon 50 of CDH23: This variant is not expected to have clinical significance because it does not alter an amino acid residue and it is not locat ed in the splice consensus sequence.

NM_022124.6(CDH23):c.6927C>T (p.Ala2309=)

Gene: CDH23 (cadherin related 23; plus strand). Cytogenetic location: 10q22.1.
Variant type: single nucleotide variant.
Coding change: c.6927C>T on transcript NM_022124.6 (MANE Select); coding-DNA position 6927, C replaced by T.
Protein change: p.Ala2309=; no amino-acid change (alanine 2309 retained).
Molecular consequence: synonymous variant.
Genome position (GRCh38, 1-based): chr10:71,798,451, C>T. VCF-style: chr10-71798451-C-T. GRCh37 (hg19) VCF-style: chr10-73558208-C-T.
Other names: c.207C>T, p.Ala69= (NM_001171933.1, NM_001171934.1).
Identifiers: ClinVar variation 227237 (VCV000227237.16), dbSNP rs765133274, ClinGen allele CA5546224.